The following is an entry in ClinVar:

ClinVar aggregate classification (germline): Pathogenic (1 of 4 stars; one submission).

Conditions:
Familial cancer of breast. Also called: BREAST CANCER, FAMILIAL; Hereditary breast cancer; hereditary breast carcinoma. Identifiers: Orphanet 227535, MedGen C0346153, MONDO:0016419, OMIM 114480. Disease mechanism: loss of function.

Submission:

Myriad Genetics, Inc.
Classification: Pathogenic for Familial cancer of breast. Last evaluated: 2024-02-29. Review status: criteria provided, single submitter. Criteria: Myriad Autosomal Dominant, Autosomal Recessive and X-Linked Classification Criteria (2023). Collection method: clinical testing. Allele origin: unknown.
Comment: This variant is considered pathogenic. This variant creates a termination codon and is predicted to result in premature protein truncation.

NM_000465.4(BARD1):c.829G>T (p.Glu277Ter)

Gene: BARD1 (BRCA1 associated RING domain 1; minus strand). Cytogenetic location: 2q35.
Variant type: single nucleotide variant.
Coding change: c.829G>T on transcript NM_000465.4 (MANE Select); coding-DNA position 829, G replaced by T.
Protein change: p.Glu277Ter; replaces glutamic acid 277 with a stop codon.
Molecular consequence: nonsense. On other transcripts: non-coding transcript variant (2), intron variant (3).
Genome position (GRCh38, 1-based): chr2:214,781,045, C>A on the plus strand (G>T on the coding strand, the complement: BARD1 is on the minus strand). VCF-style: chr2-214781045-C-A. GRCh37 (hg19) VCF-style: chr2-215645769-C-A.
Other names: c.772G>T, p.Glu258Ter (NM_001282543.2); c.158+28367G>T (NM_001282548.2); c.215+16016G>T (NM_001282545.2); c.364+11252G>T (NM_001282549.2); short protein forms E258*, E277*.
Identifiers: ClinVar variation 3148111 (VCV003148111.1), dbSNP rs1426045227, ClinGen allele CA350455413.